The following is an entry in ClinVar:

ClinVar aggregate classification (germline): Uncertain significance (1 of 4 stars; one submission).

Conditions:
Nephronophthisis. Also called: Juvenile Nephronophthisis. Identifiers: Orphanet 655, MedGen C0687120, MONDO:0019005, HP:0000090.

gnomAD v4.1: 1 of 1,612,570 alleles (0.000062%); highest among the groups gnomAD compares: African/African-American, 0.0013%; no homozygotes.

Submission:

Labcorp Genetics (formerly Invitae), Labcorp
Classification: Uncertain significance for Nephronophthisis. Last evaluated: 2025-12-24. Review status: criteria provided, single submitter. Criteria: Invitae Variant Classification Sherloc (09022015). Collection method: clinical testing. Allele origin: germline.
Comment: This sequence change replaces glutamine, which is neutral and polar, with arginine, which is basic and polar, at codon 1244 of the NPHP4 protein (p.Gln1244Arg). This variant is present in population databases (rs754483760, gnomAD 0.007%). This variant has not been reported in the literature in individuals affected with NPHP4-related conditions. Invitae Evidence Modeling of protein sequence and biophysical properties (such as structural, functional, and spatial information, amino acid conservation, physicochemical variation, residue mobility, and thermodynamic stability) indicates that this missense variant is expected to disrupt NPHP4 protein function with a positive predictive value of 80%. In summary, the available evidence is currently insufficient to determine the role of this variant in disease. Therefore, it has been classified as a Variant of Uncertain Significance.

NM_015102.5(NPHP4):c.3731A>G (p.Gln1244Arg)

Gene: NPHP4 (nephrocystin 4; minus strand). Cytogenetic location: 1p36.31.
Variant type: single nucleotide variant.
Coding change: c.3731A>G on transcript NM_015102.5 (MANE Select); coding-DNA position 3731, A replaced by G.
Protein change: p.Gln1244Arg; replaces glutamine 1244 with arginine.
Molecular consequence: missense variant. On other transcripts: non-coding transcript variant (1).
Genome position (GRCh38, 1-based): chr1:5,865,187, T>C on the plus strand (A>G on the coding strand, the complement: NPHP4 is on the minus strand). VCF-style: chr1-5865187-T-C. GRCh37 (hg19) VCF-style: chr1-5925247-T-C.
Other names: c.2192A>G, p.Gln731Arg (NM_001291593.2); c.2195A>G, p.Gln732Arg (NM_001291594.2); short protein forms Q1244R, Q731R, Q732R.
Identifiers: ClinVar variation 4808608 (VCV004808608.1).